The following is an entry in ClinVar:

ClinVar aggregate classification (germline): Uncertain significance. Review status: criteria provided, multiple submitters, no conflicts (2 of 4 stars). 3 submissions from 3 submitters: Uncertain significance (3). Last evaluated 2025-11-26.

Conditions:
Inborn genetic diseases. Identifiers: MedGen C0950123, MeSH D030342.
KBG syndrome (KBGS). Also called: ANKRD11-Related KBG Syndrome. Identifiers: Orphanet 2332, MedGen C0220687, MONDO:0007846, OMIM 148050.

Allele frequency attached by ClinVar (database versions not stated): gnomAD 0.00001; TOPMed 0.00002.
gnomAD v4.1: 49 of 1,540,116 alleles (0.0032%); highest among the groups gnomAD compares: Non-Finnish European, 0.004%; no homozygotes.

Submissions (3):

Ambry Genetics
Classification: Uncertain significance for Inborn genetic diseases. Last evaluated: 2025-11-26. Review status: criteria provided, single submitter. Criteria: Ambry Variant Classification Scheme 2023. Collection method: clinical testing. Allele origin: germline.

Labcorp Genetics (formerly Invitae), Labcorp
Classification: Uncertain significance for KBG syndrome. Last evaluated: 2024-08-03. Review status: criteria provided, single submitter. Criteria: Invitae Variant Classification Sherloc (09022015). Collection method: clinical testing. Allele origin: germline.
Comment: This sequence change replaces alanine, which is neutral and non-polar, with serine, which is neutral and polar, at codon 2379 of the ANKRD11 protein (p.Ala2379Ser). This variant is present in population databases (no rsID available, gnomAD 0.02%). This variant has not been reported in the literature in individuals affected with ANKRD11-related conditions. ClinVar contains an entry for this variant (Variation ID: 1683654). Advanced modeling of protein sequence and biophysical properties (such as structural, functional, and spatial information, amino acid conservation, physicochemical variation, residue mobility, and thermodynamic stability) performed at Invitae indicates that this missense variant is not expected to disrupt ANKRD11 protein function with a negative predictive value of 95%. In summary, the available evidence is currently insufficient to determine the role of this variant in disease. Therefore, it has been classified as a Variant of Uncertain Significance.

Laboratorio de Genetica e Diagnostico Molecular, Hospital Israelita Albert Einstein
Classification: Uncertain significance for KBG syndrome. Last evaluated: 2021-03-18. Review status: criteria provided, single submitter. Criteria: ACMG Guidelines, 2015. Collection method: clinical testing. Allele origin: germline. Affected: yes.

NM_013275.6(ANKRD11):c.7135G>T (p.Ala2379Ser)

Gene: ANKRD11 (ankyrin repeat domain 11; minus strand). Cytogenetic location: 16q24.3.
Variant type: single nucleotide variant.
Coding change: c.7135G>T on transcript NM_013275.6 (MANE Select); coding-DNA position 7135, G replaced by T.
Protein change: p.Ala2379Ser; replaces alanine 2379 with serine.
Molecular consequence: missense variant.
Genome position (GRCh38, 1-based): chr16:89,279,407, C>A on the plus strand (G>T on the coding strand, the complement: ANKRD11 is on the minus strand). VCF-style: chr16-89279407-C-A. GRCh37 (hg19) VCF-style: chr16-89345815-C-A.
Other names: c.7135G>T, p.Ala2379Ser (NM_001256182.2, NM_001256183.2); c.7135G>T (NM_013275.4); short protein forms A2379S.
Identifiers: ClinVar variation 1683654 (VCV001683654.6), dbSNP rs1346337452, ClinGen allele CA397149242.